The following is an entry in ClinVar:

NM_001099403.2(PRDM8):c.1586C>T (p.Ala529Val)

Gene: PRDM8 (PR/SET domain 8; plus strand). Cytogenetic location: 4q21.21.
Variant type: single nucleotide variant.
Coding change: c.1586C>T on transcript NM_001099403.2 (MANE Select); coding-DNA position 1586, C replaced by T.
Protein change: p.Ala529Val; replaces alanine 529 with valine.
Molecular consequence: missense variant.
Genome position (GRCh38, 1-based): chr4:80,203,048, C>T. VCF-style: chr4-80203048-C-T. GRCh37 (hg19) VCF-style: chr4-81124202-C-T.
Other names: c.1586C>T, p.Ala529Val (NM_020226.4); short protein forms A529V.
Identifiers: ClinVar variation 961988 (VCV000961988.6), dbSNP rs760114885, ClinGen allele CA2982404.

ClinVar aggregate classification (germline): Uncertain significance. Review status: criteria provided, multiple submitters, no conflicts (2 of 4 stars). 2 submissions from 2 submitters: Uncertain significance (2). Last evaluated 2024-06-16.

Conditions:
Early-onset Lafora body disease. Also called: Epilepsy, progressive myoclonic, 10. Identifiers: Orphanet 324290, MedGen C4225258, MONDO:0014717, OMIM 616640.

Allele frequency attached by ClinVar (database versions not stated): gnomAD 0.00003 and 0.00004; TOPMed 0.00002.
gnomAD v4.1: 81 of 1,556,308 alleles (0.0052%); highest among the groups gnomAD compares: Non-Finnish European, 0.0064%; no homozygotes.

Submissions (2):

Ambry Genetics
Classification: Uncertain significance. Last evaluated: 2024-06-16. Review status: criteria provided, single submitter. Criteria: Ambry Variant Classification Scheme 2023. Collection method: clinical testing. Allele origin: germline.

Labcorp Genetics (formerly Invitae), Labcorp
Classification: Uncertain significance for Early-onset Lafora body disease. Last evaluated: 2022-07-11. Review status: criteria provided, single submitter. Criteria: Invitae Variant Classification Sherloc (09022015). Collection method: clinical testing. Allele origin: germline.
Comment: This sequence change replaces alanine, which is neutral and non-polar, with valine, which is neutral and non-polar, at codon 529 of the PRDM8 protein (p.Ala529Val). The frequency data for this variant in the population databases is considered unreliable, as metrics indicate poor data quality at this position in the gnomAD database. This variant has not been reported in the literature in individuals affected with PRDM8-related conditions. ClinVar contains an entry for this variant (Variation ID: 961988). Algorithms developed to predict the effect of missense changes on protein structure and function (SIFT, PolyPhen-2, Align-GVGD) all suggest that this variant is likely to be tolerated. In summary, the available evidence is currently insufficient to determine the role of this variant in disease. Therefore, it has been classified as a Variant of Uncertain Significance.